The following is an entry in ClinVar:

NM_003413.4(ZIC3):c.*26T>C

Gene: ZIC3 (Zic family zinc finger 3; plus strand). Cytogenetic location: Xq26.3.
Variant type: single nucleotide variant.
Coding change: c.*26T>C on transcript NM_003413.4 (MANE Select); 26 bases downstream of the stop codon, T replaced by C.
Molecular consequence: 3 prime UTR variant. On other transcripts: intron variant (1).
Genome position (GRCh38, 1-based): chrX:137,570,096, T>C. VCF-style: chrX-137570096-T-C. GRCh37 (hg19) VCF-style: chrX-136652255-T-C.
Other names: c.1224+1031T>C (NM_001330661.1).
Identifiers: ClinVar variation 914457 (VCV000914457.4), dbSNP rs370928726, ClinGen allele CA10529422.

ClinVar aggregate classification (germline): Conflicting classifications of pathogenicity. Review status: criteria provided, conflicting classifications (1 of 4 stars). 2 submissions from 1 submitter: Uncertain significance (1); Benign (1). Last evaluated 2018-01-13.

Conditions:
Heterotaxy, visceral, 1, X-linked (HTX1). Also called: Laterality, X-linked; Visceral heterotaxia; DEXTROCARDIA WITH OTHER CARDIAC MALFORMATIONS; SITUS INVERSUS, COMPLEX CARDIAC DEFECTS, AND SPLENIC DEFECTS, X-LINKED. Identifiers: Orphanet 450, MedGen C1844020, MONDO:0010607, OMIM 306955.
VACTERL association, X-linked, with or without hydrocephalus (VACTERLX). Also called: VACTERL Association with Hydrocephalus, X-linked; X-linked VACTERL-H syndrome; VACTERL ASSOCIATION, X-LINKED; VACTERL-H, X-LINKED. Identifiers: Orphanet 3412, MedGen C2931228, MONDO:0010752, OMIM 314390.

Allele frequency attached by ClinVar (database versions not stated): ESP Exome Variant Server 0.00019; gnomAD 0.00021 and 0.00024; ExAC 0.00024; gnomAD exomes 0.00024 and 0.00028; TOPMed 0.00031.
gnomAD v4.1: 331 of 1,198,741 alleles (0.028%); highest among the groups gnomAD compares: Non-Finnish European, 0.034%; no homozygotes.

Submissions (2):

Illumina Laboratory Services, Illumina
Classification: Uncertain significance for Heterotaxy, visceral, 1, X-linked. Last evaluated: 2018-01-13. Review status: criteria provided, single submitter. Criteria: ICSL Variant Classification Criteria 13 December 2019. Collection method: clinical testing. Allele origin: germline.

Illumina Laboratory Services, Illumina
Classification: Benign for VACTERL association, X-linked, with or without hydrocephalus. Last evaluated: 2018-01-13. Review status: criteria provided, single submitter. Criteria: ICSL Variant Classification Criteria 13 December 2019. Collection method: clinical testing. Allele origin: germline.
Comment: This variant was observed in the ICSL laboratory as part of a predisposition screen in an ostensibly healthy population. It had not been previously curated by ICSL or reported in the Human Gene Mutation Database (HGMD: prior to June 1st, 2018), and was therefore a candidate for classification through an automated scoring system. Utilizing variant allele frequency, disease prevalence and penetrance estimates, and inheritance mode, an automated score was calculated to assess if this variant is too frequent to cause the disease. Based on the score and internal cut-off values, a variant classified as benign is not then subjected to further curation. The score for this variant resulted in a classification of benign for this disease.